The following is an entry in ClinVar:

ClinVar aggregate classification (germline): Uncertain significance (1 of 4 stars; one submission).

Submission:

Labcorp Genetics (formerly Invitae), Labcorp
Classification: Uncertain significance. Last evaluated: 2025-04-21. Review status: criteria provided, single submitter. Criteria: Invitae Variant Classification Sherloc (09022015). Collection method: clinical testing. Allele origin: germline.
Comment: This variant, c.265_276del, results in the deletion of 4 amino acid(s) of the SERPING1 protein (p.Gln89_Thr92del), but otherwise preserves the integrity of the reading frame. The frequency data for this variant in the population databases is considered unreliable, as metrics indicate poor data quality at this position in the gnomAD database. This variant has not been reported in the literature in individuals affected with SERPING1-related conditions. ClinVar contains an entry for this variant (Variation ID: 2189773). Experimental studies and prediction algorithms are not available or were not evaluated, and the functional significance of this variant is currently unknown. In summary, the available evidence is currently insufficient to determine the role of this variant in disease. Therefore, it has been classified as a Variant of Uncertain Significance.

NM_000062.3(SERPING1):c.265_276del (p.Gln89_Thr92del)

Gene: SERPING1 (serpin family G member 1; plus strand). Cytogenetic location: 11q12.1.
Variant type: Deletion.
Coding change: c.265_276del on transcript NM_000062.3 (MANE Select); coding-DNA positions 265 to 276, 12 bases deleted (CAACCCACCACA).
Protein change: p.Gln89_Thr92del.
Molecular consequence: inframe deletion.
Genome position (GRCh38, 1-based): chr11:57,600,092-57,600,103, CAACCCACCACA deleted; deleting any 12 consecutive bases within chr11:57,600,081-57,600,103 gives the same sequence; the c. name uses the placement nearest the transcript's 3' end. VCF-style (leftmost placement, unchanged base first): chr11-57600080-GAACCCACCACAC-G. GRCh37 (hg19) VCF-style: chr11-57367553-GAACCCACCACAC-G.
Other names: c.265_276del, p.Gln89_Thr92del (NM_001032295.2).
Identifiers: ClinVar variation 2189773 (VCV002189773.4), dbSNP rs763861580, ClinGen allele CA6008006.